The following is an entry in ClinVar:

ClinVar aggregate classification (germline): Uncertain significance. Review status: criteria provided, multiple submitters, no conflicts (2 of 4 stars). 3 submissions from 3 submitters: Uncertain significance (3). Last evaluated 2025-12-30.

Conditions:
KCNH1-related disorder. Also called: KCNH1-related disorders; KCNH1-related condition.
Zimmermann-Laband syndrome 1 (ZLS1). Identifiers: Orphanet 3473, MedGen C4551773, MONDO:0024526, OMIM 135500.
Temple-Baraitser syndrome (TMBTS). Also called: Severe mental retardation and absent nails of hallux and pollex. Identifiers: Orphanet 420561, MedGen C2678486, MONDO:0012735, OMIM 611816.

Allele frequency attached by ClinVar (database versions not stated): gnomAD 0.00001.
gnomAD v4.1: 1 of 1,614,044 alleles (0.000062%); highest among the groups gnomAD compares: Admixed American, 0.0017%; no homozygotes.

Submissions (3):

Labcorp Genetics (formerly Invitae), Labcorp
Classification: Uncertain significance. Last evaluated: 2025-12-30. Review status: criteria provided, single submitter. Criteria: Invitae Variant Classification Sherloc (09022015). Collection method: clinical testing. Allele origin: germline.
Comment: This sequence change replaces glutamine, which is neutral and polar, with arginine, which is basic and polar, at codon 977 of the KCNH1 protein (p.Gln977Arg). This variant is not present in population databases (gnomAD no frequency). This variant has not been reported in the literature in individuals affected with KCNH1-related conditions. This missense change has been observed in at least one individual who was not affected with KCNH1-related conditions (internal data). ClinVar contains an entry for this variant (Variation ID: 1426249). Invitae Evidence Modeling of protein sequence and biophysical properties (such as structural, functional, and spatial information, amino acid conservation, physicochemical variation, residue mobility, and thermodynamic stability) has been performed for this missense variant. However, the output from this modeling did not meet the statistical confidence thresholds required to predict the impact of this variant on KCNH1 protein function. In summary, the available evidence is currently insufficient to determine the role of this variant in disease. Therefore, it has been classified as a Variant of Uncertain Significance.

PreventionGenetics, part of Exact Sciences
Classification: Uncertain significance for KCNH1-related condition. Last evaluated: 2025-09-11. Review status: criteria provided, single submitter. Criteria: ACMG Guidelines, 2015. Collection method: clinical testing. Allele origin: germline.
Comment: The KCNH1 c.2930A>G variant is predicted to result in the amino acid substitution p.Gln977Arg. To our knowledge, this variant has not been reported in the literature or in a large population database (gnomAD), indicating this variant is rare. It is located near the end of the terminal exon, and no missense changes nearby have been reported as causative. PreventionGenetics internal database numbers are inconsistent with this being an undocumented KCNH1-related disease causing variant. Although we suspect that this variant may be benign, at this time, the clinical significance of this variant is uncertain due to the absence of conclusive functional and genetic evidence.

Clinical Genomics Laboratory, Stanford Medicine
Classification: Uncertain significance for Temple-Baraitser syndrome; Zimmermann-Laband syndrome 1. Last evaluated: 2023-06-03. Review status: criteria provided, single submitter. Criteria: ACMG Guidelines, 2015. Collection method: clinical testing. Allele origin: germline. Observed: 1 variant allele, 1 heterozygote.
Comment: The p.Gln977Arg variant in the KCNH1 gene has not been previously reported in association with disease. This variant was absent from large population databases, including the Genome Aggregation Database. This variant is present in ClinVar (VCV001426249.5). The KCNH1 gene has fewer missense variants in the general population than expected. A low rate of missense variation may suggest that this gene is intolerant to missense variation. The glutamine at position 977 is moderately evolutionarily conserved. Computational tools predict that the p.Gln977Arg variant is neither deleterious nor benign; however, the accuracy of in silico algorithms is limited. These data were assessed using the ACMG/AMP variant interpretation guidelines. In summary, the significance of the p.Gln977Arg variant is uncertain. Additional information is needed to resolve the significance of this variant. [ACMG evidence codes used: PM2; PP2]

NM_172362.3(KCNH1):c.2930A>G (p.Gln977Arg)

Gene: KCNH1 (potassium voltage-gated channel subfamily H member 1; minus strand). Cytogenetic location: 1q32.2.
Variant type: single nucleotide variant.
Coding change: c.2930A>G on transcript NM_172362.3 (MANE Select); coding-DNA position 2930, A replaced by G.
Protein change: p.Gln977Arg; replaces glutamine 977 with arginine.
Molecular consequence: missense variant.
Genome position (GRCh38, 1-based): chr1:210,683,321, T>C on the plus strand (A>G on the coding strand, the complement: KCNH1 is on the minus strand). VCF-style: chr1-210683321-T-C. GRCh37 (hg19) VCF-style: chr1-210856663-T-C.
Other names: c.2849A>G, p.Gln950Arg (NM_002238.4); c.2930A>G (NM_172362.2); short protein forms Q950R, Q977R.
Identifiers: ClinVar variation 1426249 (VCV001426249.8), dbSNP rs1334977288, ClinGen allele CA344870118.